The following is an entry in ClinVar:

NM_173500.4(TTBK2):c.604-151AT[8]

Gene: TTBK2 (tau tubulin kinase 2; minus strand). Cytogenetic location: 15q15.2.
Variant type: Microsatellite.
Coding change: c.604-151AT[8] on transcript NM_173500.4 (MANE Select); eight copies in a row of the 2-base unit AT starting at c.604-151; the reference has seven copies in a row; one copy, 2 bases duplicated.
Molecular consequence: intron variant.
Genome position (GRCh38, 1-based): chr15:42,811,918-42,811,919, AT duplicated on the plus strand (AT on the coding strand, the reverse complement: TTBK2 is on the minus strand); duplicating any 2 consecutive bases within chr15:42,811,918-42,811,932 gives the same sequence; the position shown is the placement nearest the transcript's 3' end. VCF-style (leftmost placement, unchanged base first): chr15-42811917-C-CAT. GRCh37 (hg19) VCF-style: chr15-43104115-C-CAT.
Identifiers: ClinVar variation 1683936 (VCV001683936.2), dbSNP rs143101383, ClinGen allele CA269912331.

ClinVar aggregate classification (germline): Likely benign (1 of 4 stars; one submission).

Submission:

GeneDx
Classification: Likely benign. Last evaluated: 2021-11-04. Review status: criteria provided, single submitter. Criteria: GeneDx Variant Classification Process June 2021. Collection method: clinical testing. Allele origin: germline. Affected: yes.
Comment: See Variant Classification Assertion Criteria.